The following is an entry in ClinVar:

ClinVar aggregate classification (germline): Uncertain significance (1 of 4 stars; one submission).

Conditions:
Tip-toe gait. Also called: Toe walking. Identifiers: MedGen C0427144, HP:0030051.

Allele frequency attached by ClinVar (database versions not stated): gnomAD 0.00001.
gnomAD v4.1: 1 of 1,610,382 alleles (0.000062%); highest among the groups gnomAD compares: East Asian, 0.0022%; no homozygotes.

Submission:

Practice for Gait Abnormalities, David Pomarino, Competency Network Toe Walking C/o Practice Pomarino
Classification: Uncertain significance for Tip-toe gait. Last evaluated: 2020-10-06. Review status: criteria provided, single submitter. Criteria: ACMG Guidelines, 2015. Collection method: clinical testing. Allele origin: unknown. Affected: yes. Observed: 1 variant allele, 1 heterozygote.
Comment: Hereditary motor sensory neuropathy (HMSN), also known as Charcot-Marie-Tooth Disease (CMT), is the most commonly inherited peripheral polyneuropathy. It constitutes a group of inherited, progressive, motor and sensory peripheral nerve disorders with properties of demyelination, axonal degeneration, or both. It is classified by clinical characteristics, modes of inheritance, electrophysiologic features, metabolic defects, and specific gene markers. Our patients all walk on tiptoe, so they show similar symptoms. When we genetically test them with our toe walking panel, we find that around 90 per cent of them have a genetic variant that explains their toe walking. These can be assigned, for example, to the area of myopathies (such as variants of the COL6A3 gene), the area of hereditary neuropathies (such as variants of the KMT2C gene) or the area of metabolic diseases (such as variants of the PYGM gene). In a smaller group of patients with almost identical symptoms, no abnormality is found in the genes of our panel, but spastic paraplegia can be detected. In another small group of our toe walkers, no abnormalities can be detected in the genes analysed in our toe walking panel, nor do they suffer from spastic paraplegia, as is also the case with healthy children. In contrast to these, however, they show a tiptoe gait. These patients suffer from infantile cerebral palsy, in which toe walking can also be observed.

Literature cited by the submitters: PubMed 37091313.

NM_007118.4(TRIO):c.3066+5G>A

Gene: TRIO (trio Rho guanine nucleotide exchange factor; plus strand). Cytogenetic location: 5p15.2.
Variant type: single nucleotide variant.
Coding change: c.3066+5G>A on transcript NM_007118.4 (MANE Select); 5 bases into the intron after coding-DNA position 3066, G replaced by A.
Molecular consequence: intron variant.
Genome position (GRCh38, 1-based): chr5:14,368,904, G>A. VCF-style: chr5-14368904-G-A. GRCh37 (hg19) VCF-style: chr5-14369013-G-A.
Identifiers: ClinVar variation 1048570 (VCV001048570.3), dbSNP rs1419486837, ClinGen allele CA558340725.